The following is an entry in ClinVar:

NM_001267550.2(TTN):c.95289_95298del (p.Thr31764fs)

Genes: TTN-AS1 (TTN antisense RNA 1; plus strand), TTN (titin; minus strand). Cytogenetic location: 2q31.2.
Variant type: Deletion.
Coding change: c.95289_95298del on transcript NM_001267550.2 (MANE Select); coding-DNA positions 95289 to 95298, 10 bases deleted (AACCCTATCC; older notation c.95289_95298delAACCCTATCC).
Protein change: p.Thr31764fs; shifts the reading frame from threonine 31764.
Molecular consequence: frameshift variant.
Genome position (GRCh38, 1-based): chr2:178,545,938-178,545,947, GGATAGGGTT deleted on the plus strand (AACCCTATCC on the coding strand, the reverse complement: TTN is on the minus strand); deleting any 10 consecutive bases within chr2:178,545,938-178,545,949 gives the same sequence; the c. name uses the placement nearest the transcript's 3' end. VCF-style (leftmost placement, unchanged base first): chr2-178545937-AGGATAGGGTT-A. GRCh37 (hg19) VCF-style: chr2-179410664-AGGATAGGGTT-A.
Other names: c.90366_90375del, p.Thr30123fs (NM_001256850.1); c.68094_68103del, p.Thr22699fs (NM_003319.4); c.87585_87594del, p.Thr29196fs (NM_133378.4); c.68469_68478del, p.Thr22824fs (NM_133432.3); c.68670_68679del, p.Thr22891fs (NM_133437.4); c.95289_95298delAACCCTATCC (NM_001267550.2); short protein forms T22699fs, T22824fs, T31764fs, T29196fs, T30123fs, T22891fs.
Identifiers: ClinVar variation 661314 (VCV000661314.9), dbSNP rs1575442120, ClinGen allele CA915942234.

ClinVar aggregate classification (germline): Likely pathogenic (1 of 4 stars; one submission).

Conditions:
Autosomal recessive limb-girdle muscular dystrophy type 2J (LGMDR10). Also called: Limb-girdle muscular dystrophy, type 2J; MUSCULAR DYSTROPHY, LIMB-GIRDLE, AUTOSOMAL RECESSIVE 10. Identifiers: Orphanet 140922, MedGen C1837342, MONDO:0012127, OMIM 608807.
Dilated cardiomyopathy 1G (CMD1G). Identifiers: Orphanet 154, MedGen C1858763, MONDO:0011400, OMIM 604145.

Submission:

Labcorp Genetics (formerly Invitae), Labcorp
Classification: Likely pathogenic for Dilated cardiomyopathy 1G; Autosomal recessive limb-girdle muscular dystrophy type 2J. Last evaluated: 2018-08-11. Review status: criteria provided, single submitter. Criteria: Invitae Variant Classification Sherloc (09022015). Collection method: clinical testing. Allele origin: germline.
Comment: This sequence change results in a premature translational stop signal in the TTN gene (p.Thr31764Metfs*16). While this is not anticipated to result in nonsense mediated decay, it is expected to create a truncated TTN protein. This variant is not present in population databases (ExAC no frequency). This variant has not been reported in the literature in individuals with TTN-related disease. This variant is located in the A band of TTN (PMID: 25589632). Truncating variants in this region are significantly overrepresented in patients affected with dilated cardiomyopathy (PMID: 25589632). Truncating variants in this region have also been reported in individuals affected with autosomal recessive centronuclear myopathy (PMID: 23975875). In summary, the currently available evidence indicates that the variant is pathogenic, but additional data are needed to prove that conclusively. Therefore, this variant has been classified as Likely Pathogenic.

Literature cited by the submitters: PubMed 25589632; PubMed 23975875.